The following is an entry in ClinVar:

ClinVar aggregate classification (germline): Uncertain significance (1 of 4 stars; one submission).

Allele frequency attached by ClinVar (database versions not stated): ExAC 0.00001; gnomAD 0.00001.
gnomAD v4.1: 3 of 1,613,954 alleles (0.00019%); highest among the groups gnomAD compares: South Asian, 0.0033%; no homozygotes.

Submission:

Ambry Genetics
Classification: Uncertain significance. Last evaluated: 2024-01-14. Review status: criteria provided, single submitter. Criteria: Ambry Variant Classification Scheme 2023. Collection method: clinical testing. Allele origin: germline.
Comment: The p.H327N variant (also known as c.979C>A), located in coding exon 2 of the PALLD gene, results from a C to A substitution at nucleotide position 979. The histidine at codon 327 is replaced by asparagine, an amino acid with similar properties. This amino acid position is conserved. In addition, this alteration is predicted to be tolerated by in silico analysis. Since supporting evidence is limited at this time, the clinical significance of this alteration remains unclear.

NM_001166108.2(PALLD):c.979C>A (p.His327Asn)

Gene: PALLD (palladin, cytoskeletal associated protein; plus strand). Cytogenetic location: 4q32.3.
Variant type: single nucleotide variant.
Coding change: c.979C>A on transcript NM_001166108.2 (MANE Select); coding-DNA position 979, C replaced by A.
Protein change: p.His327Asn; replaces histidine 327 with asparagine.
Molecular consequence: missense variant. On other transcripts: 5 prime UTR variant (1).
Genome position (GRCh38, 1-based): chr4:168,668,260, C>A. VCF-style: chr4-168668260-C-A. GRCh37 (hg19) VCF-style: chr4-169589411-C-A.
Other names: c.-168C>A (NM_001166109.2); c.979C>A, p.His327Asn (NM_016081.4); short protein forms H327N.
Identifiers: ClinVar variation 3226846 (VCV003226846.1), dbSNP rs745866686, ClinGen allele CA3135483.